The following is an entry in ClinVar:

NM_000057.4(BLM):c.2167C>T (p.Gln723Ter)

Gene: BLM (BLM RecQ like helicase; plus strand). Cytogenetic location: 15q26.1.
Variant type: single nucleotide variant.
Coding change: c.2167C>T on transcript NM_000057.4 (MANE Select); coding-DNA position 2167, C replaced by T.
Protein change: p.Gln723Ter; replaces glutamine 723 with a stop codon.
Molecular consequence: nonsense.
Genome position (GRCh38, 1-based): chr15:90,765,388, C>T. VCF-style: chr15-90765388-C-T. GRCh37 (hg19) VCF-style: chr15-91308618-C-T.
Other names: c.2167C>T, p.Gln723Ter (NM_001287246.2, NM_001287247.2); c.1042C>T, p.Gln348Ter (NM_001287248.2); short protein forms Q348*, Q723*.
Identifiers: ClinVar variation 1410025 (VCV001410025.6), dbSNP rs2151162501, ClinGen allele CA393844696.

ClinVar aggregate classification (germline): Pathogenic (1 of 4 stars; one submission).

Conditions:
Bloom syndrome (BLM). Also called: Bloom-Torre-Machacek syndrome. Identifiers: Orphanet 125, MedGen C0005859, MONDO:0008876, OMIM 210900.

Submission:

Labcorp Genetics (formerly Invitae), Labcorp
Classification: Pathogenic for Bloom syndrome. Last evaluated: 2021-08-30. Review status: criteria provided, single submitter. Criteria: Invitae Variant Classification Sherloc (09022015). Collection method: clinical testing. Allele origin: germline.
Comment: For these reasons, this variant has been classified as Pathogenic. This variant has not been reported in the literature in individuals affected with BLM-related conditions. This variant is not present in population databases (ExAC no frequency). This sequence change creates a premature translational stop signal (p.Gln723*) in the BLM gene. It is expected to result in an absent or disrupted protein product. Loss-of-function variants in BLM are known to be pathogenic (PMID: 17407155).

Literature cited by the submitters: PubMed 17407155.